The following is an entry in ClinVar:

ClinVar aggregate classification (germline): Uncertain significance. Review status: criteria provided, multiple submitters, no conflicts (2 of 4 stars). 2 submissions from 2 submitters: Uncertain significance (2). Last evaluated 2025-12-29.

Conditions:
Cardiovascular phenotype. Identifiers: MedGen CN230736.

Allele frequency attached by ClinVar (database versions not stated): gnomAD 0.00002; gnomAD exomes 0.00002 and 0.00003; TOPMed 0.00002; ExAC 0.00006; ESP Exome Variant Server 0.00019.

Submissions (2):

Labcorp Genetics (formerly Invitae), Labcorp
Classification: Uncertain significance. Last evaluated: 2025-12-29. Review status: criteria provided, single submitter. Criteria: Invitae Variant Classification Sherloc (09022015). Collection method: clinical testing. Allele origin: germline.
Comment: This sequence change replaces arginine, which is basic and polar, with glutamine, which is neutral and polar, at codon 183 of the BGN protein (p.Arg183Gln). This variant is present in population databases (rs150043639, gnomAD 0.005%). This variant has not been reported in the literature in individuals affected with BGN-related conditions. ClinVar contains an entry for this variant (Variation ID: 1448551). Invitae Evidence Modeling of protein sequence and biophysical properties (such as structural, functional, and spatial information, amino acid conservation, physicochemical variation, residue mobility, and thermodynamic stability) indicates that this missense variant is not expected to disrupt BGN protein function with a negative predictive value of 80%. In summary, the available evidence is currently insufficient to determine the role of this variant in disease. Therefore, it has been classified as a Variant of Uncertain Significance.

Ambry Genetics
Classification: Uncertain significance for Cardiovascular phenotype. Last evaluated: 2025-12-11. Review status: criteria provided, single submitter. Criteria: Ambry Variant Classification Scheme 2023. Collection method: clinical testing. Allele origin: germline.

NM_001711.6(BGN):c.548G>A (p.Arg183Gln)

Gene: BGN (biglycan; plus strand). Cytogenetic location: Xq28.
Variant type: single nucleotide variant.
Coding change: c.548G>A on transcript NM_001711.6 (MANE Select); coding-DNA position 548, G replaced by A.
Protein change: p.Arg183Gln; replaces arginine 183 with glutamine.
Molecular consequence: missense variant.
Genome position (GRCh38, 1-based): chrX:153,506,059, G>A. VCF-style: chrX-153506059-G-A. GRCh37 (hg19) VCF-style: chrX-152771517-G-A.
Other names: c.548G>A (NM_001711.4); short protein forms R183Q.
Identifiers: ClinVar variation 1448551 (VCV001448551.10), dbSNP rs150043639, ClinGen allele CA10547260.